The following is an entry in ClinVar:

ClinVar aggregate classification (germline): Benign (1 of 4 stars; one submission).

Conditions:
Nail-patella syndrome (NPS). Also called: FONG DISEASE; ONYCHOOSTEODYSPLASIA; TURNER-KIESER SYNDROME. Identifiers: Orphanet 2614, MedGen C0027341, MONDO:0008061, OMIM 161200.

Allele frequency attached by ClinVar (database versions not stated): gnomAD 0.00001; TOPMed 0.00003; 1000 Genomes Project 30x 0.00031; 1000 Genomes Project 0.00040.

Submission:

Illumina Laboratory Services, Illumina
Classification: Benign for Nail-patella syndrome. Last evaluated: 2018-01-12. Review status: criteria provided, single submitter. Criteria: ICSL Variant Classification Criteria 13 December 2019. Collection method: clinical testing. Allele origin: germline.
Comment: This variant was observed in the ICSL laboratory as part of a predisposition screen in an ostensibly healthy population. It had not been previously curated by ICSL or reported in the Human Gene Mutation Database (HGMD: prior to June 1st, 2018), and was therefore a candidate for classification through an automated scoring system. Utilizing variant allele frequency, disease prevalence and penetrance estimates, and inheritance mode, an automated score was calculated to assess if this variant is too frequent to cause the disease. Based on the score and internal cut-off values, a variant classified as benign is not then subjected to further curation. The score for this variant resulted in a classification of benign for this disease.

NM_001174147.2(LMX1B):c.*2831C>T

Gene: LMX1B (LIM homeobox transcription factor 1 beta; plus strand). Cytogenetic location: 9q33.3.
Variant type: single nucleotide variant.
Coding change: c.*2831C>T on transcript NM_001174147.2 (MANE Select); 2831 bases downstream of the stop codon, C replaced by T.
Molecular consequence: 3 prime UTR variant.
Genome position (GRCh38, 1-based): chr9:126,699,282, C>T. VCF-style: chr9-126699282-C-T. GRCh37 (hg19) VCF-style: chr9-129461561-C-T.
Other names: c.*2831C>T (NM_001174146.2, NM_002316.4).
Identifiers: ClinVar variation 364959 (VCV000364959.5), dbSNP rs148906444, ClinGen allele CA10626412.